The following is an entry in ClinVar:

NC_000008.10:g.(?_43002091)_(43159912_?)dup

Genes: HGSNAT (heparan-alpha-glucosaminide N-acetyltransferase; plus strand), POTEA (POTE ankyrin domain family member A (gene/pseudogene); plus strand). Cytogenetic location: 8p11.21-11.1.
Variant type: Duplication.
Identifiers: ClinVar variation 2427383 (VCV002427383.2).

ClinVar aggregate classification (germline): Uncertain significance (1 of 4 stars; one submission).

Conditions:
Retinitis pigmentosa 73 (RP73). Identifiers: Orphanet 791, MedGen C4225287, MONDO:0014687, OMIM 616544.
Mucopolysaccharidosis, MPS-III-C (MPS3C). Also called: SANFILIPPO SYNDROME C; MPS IIIC (Sanfilippo Syndrome Type C); MPS III C; Mucopolysaccharidosis type IIIC (Sanfilippo C); MUCOPOLYSACCHARIDOSIS, TYPE IIIC; mucopolysaccharidosis type 3C. Identifiers: Orphanet 581, Orphanet 79271, MedGen C0086649, MONDO:0009657, OMIM 252930.

Submission:

Labcorp Genetics (formerly Invitae), Labcorp
Classification: Uncertain significance for Retinitis pigmentosa 73; Mucopolysaccharidosis, MPS-III-C. Last evaluated: 2020-02-08. Review status: criteria provided, single submitter. Criteria: Invitae Variant Classification Sherloc (09022015). Collection method: clinical testing. Allele origin: germline.
Comment: This variant results in a copy number gain of the genomic region encompassing exons 2 to 18 of the HGSNAT gene. The 5' boundary is likely confined to intron one. The 3' end of this event is unknown as it extends beyond the assayed region for this gene and therefore may encompass additional genes. As the precise location of this event is unknown, it may be in tandem or it may be located elsewhere in the genome. This variant has not been reported in the literature in individuals with HGSNAT-related conditions. Experimental studies and prediction algorithms are not available or were not evaluated, and the functional significance of this variant is currently unknown. In summary, the available evidence is currently insufficient to determine the role of this variant in disease. Therefore, it has been classified as a Variant of Uncertain Significance.